The following is an entry in ClinVar:

ClinVar aggregate classification (germline): Pathogenic (1 of 4 stars; one submission).

Submission:

Quest Diagnostics Nichols Institute San Juan Capistrano
Classification: Pathogenic. Last evaluated: 2024-12-25. Review status: criteria provided, single submitter. Criteria: ACMG/ClinGen CNV Guidelines, 2019. Collection method: clinical testing. Allele origin: unknown.
Comment: This copy number loss of 17q12 encompasses HNF1B and is associated with the chromosome 17q12 deletion syndrome (OMIM 614527, Mitchel 2025, Rasmussen 2016). Thus, this copy number variant (CNV) is classified as pathogenic with variable expressivity. References: Mitchel et al., GeneReviews. [2025 Aug 14]. PMID: 27929632 Rasmussen et al., Am J Med Genet A. 2016 Nov;170(11):2934-2942. PMID: 27409573

GRCh37/hg19 17q12(chr17:34475679-36311009)x1

Genes: AATF (apoptosis antagonizing transcription factor; plus strand), ACACA (acetyl-CoA carboxylase alpha; minus strand), C17orf78 (chromosome 17 open reading frame 78; plus strand), CCL3L1 (C-C motif chemokine ligand 3 like 1; minus strand), CCL3L3 (C-C motif chemokine ligand 3 like 3; minus strand) and 18 more. Cytogenetic location: 17q12.
Variant type: copy number loss.
Change: copy number 1 (one copy instead of two) of chr17:34,475,679-36,311,009 (1.84 Mb, GRCh37 coordinates, 1-based), cytogenetic band 17q12.
Identifiers: ClinVar variation 564433 (VCV000564433.3).